The following is an entry in ClinVar:

NM_001365999.1(SZT2):c.9532G>A (p.Glu3178Lys)

Genes: SZT2-AS1 (SZT2 antisense RNA 1; minus strand), SZT2 (SZT2 subunit of KICSTOR complex; plus strand). Cytogenetic location: 1p34.2.
Variant type: single nucleotide variant.
Coding change: c.9532G>A on transcript NM_001365999.1 (MANE Select); coding-DNA position 9532, G replaced by A.
Protein change: p.Glu3178Lys; replaces glutamic acid 3178 with lysine.
Molecular consequence: missense variant.
Genome position (GRCh38, 1-based): chr1:43,447,940, G>A. VCF-style: chr1-43447940-G-A. GRCh37 (hg19) VCF-style: chr1-43913611-G-A.
Other names: c.9361G>A, p.Glu3121Lys (NM_015284.4); short protein forms E3121K, E3178K.
Identifiers: ClinVar variation 936282 (VCV000936282.9), dbSNP rs1283503611, ClinGen allele CA340043607.

ClinVar aggregate classification (germline): Uncertain significance (1 of 4 stars; one submission).

Allele frequency attached by ClinVar (database versions not stated): gnomAD exomes below 0.00001; TOPMed below 0.00001.
gnomAD v4.1: 1 of 1,614,008 alleles (0.000062%); highest among the groups gnomAD compares: Non-Finnish European, 0.000085%; no homozygotes.

Submission:

Labcorp Genetics (formerly Invitae), Labcorp
Classification: Uncertain significance. Last evaluated: 2020-02-22. Review status: criteria provided, single submitter. Criteria: Invitae Variant Classification Sherloc (09022015). Collection method: clinical testing. Allele origin: germline.
Comment: This sequence change replaces glutamic acid with lysine at codon 3121 of the SZT2 protein (p.Glu3121Lys). The glutamic acid residue is highly conserved and there is a small physicochemical difference between glutamic acid and lysine. This variant is not present in population databases (ExAC no frequency). This variant has not been reported in the literature in individuals with SZT2-related conditions. Algorithms developed to predict the effect of missense changes on protein structure and function are either unavailable or do not agree on the potential impact of this missense change (SIFT: "Deleterious"; PolyPhen-2: "Probably Damaging"; Align-GVGD: "Class C0"). In summary, the available evidence is currently insufficient to determine the role of this variant in disease. Therefore, it has been classified as a Variant of Uncertain Significance.